The following is an entry in ClinVar:

ClinVar aggregate classification (germline): Uncertain significance (1 of 4 stars; one submission).

Conditions:
Hereditary cancer-predisposing syndrome. Also called: Neoplastic Syndromes, Hereditary; Hereditary neoplastic syndrome; Tumor predisposition; Hereditary Cancer Syndrome. Identifiers: Orphanet 140162, MedGen C0027672, MeSH D009386, MONDO:0015356.

Submission:

Ambry Genetics
Classification: Uncertain significance for Hereditary cancer-predisposing syndrome. Last evaluated: 2022-12-07. Review status: criteria provided, single submitter. Criteria: Ambry Variant Classification Scheme 2023. Collection method: clinical testing. Allele origin: germline.
Comment: The p.L1419R variant (also known as c.4256T>G), located in coding exon 28 of the ATM gene, results from a T to G substitution at nucleotide position 4256. The leucine at codon 1419 is replaced by arginine, an amino acid with dissimilar properties. This amino acid position is conserved. In addition, this alteration is predicted to be deleterious by in silico analysis. Since supporting evidence is limited at this time, the clinical significance of this alteration remains unclear.

NM_000051.4(ATM):c.4256T>G (p.Leu1419Arg)

Gene: ATM (ATM serine/threonine kinase; plus strand). Cytogenetic location: 11q22.3.
Variant type: single nucleotide variant.
Coding change: c.4256T>G on transcript NM_000051.4 (MANE Select); coding-DNA position 4256, T replaced by G.
Protein change: p.Leu1419Arg; replaces leucine 1419 with arginine.
Molecular consequence: missense variant.
Genome position (GRCh38, 1-based): chr11:108,289,621, T>G. VCF-style: chr11-108289621-T-G. GRCh37 (hg19) VCF-style: chr11-108160348-T-G.
Other names: c.4256T>G, p.Leu1419Arg (NM_001351834.2); short protein forms L1419R.
Identifiers: ClinVar variation 2453939 (VCV002453939.2), dbSNP rs1060501622, ClinGen allele CA382531122.